The following is an entry in ClinVar:

ClinVar aggregate classification (germline): Uncertain significance (1 of 4 stars; one submission).

Submission:

Labcorp Genetics (formerly Invitae), Labcorp
Classification: Uncertain significance. Last evaluated: 2023-10-23. Review status: criteria provided, single submitter. Criteria: Invitae Variant Classification Sherloc (09022015). Collection method: clinical testing. Allele origin: germline.
Comment: This sequence change replaces phenylalanine, which is neutral and non-polar, with valine, which is neutral and non-polar, at codon 216 of the IL12RB2 protein (p.Phe216Val). This variant is not present in population databases (gnomAD no frequency). This variant has not been reported in the literature in individuals affected with IL12RB2-related conditions. An algorithm developed to predict the effect of missense changes on protein structure and function (PolyPhen-2) suggests that this variant is likely to be disruptive. In summary, the available evidence is currently insufficient to determine the role of this variant in disease. Therefore, it has been classified as a Variant of Uncertain Significance.

NM_001374259.2(IL12RB2):c.646T>G (p.Phe216Val)

Gene: IL12RB2 (interleukin 12 receptor subunit beta 2; plus strand). Cytogenetic location: 1p31.3.
Variant type: single nucleotide variant.
Coding change: c.646T>G on transcript NM_001374259.2 (MANE Select); coding-DNA position 646, T replaced by G.
Protein change: p.Phe216Val; replaces phenylalanine 216 with valine.
Molecular consequence: missense variant. On other transcripts: non-coding transcript variant (2).
Genome position (GRCh38, 1-based): chr1:67,328,366, T>G. VCF-style: chr1-67328366-T-G. GRCh37 (hg19) VCF-style: chr1-67794049-T-G.
Other names: c.646T>G, p.Phe216Val (NM_001319233.1, NM_001258214.1, NM_001258215.1 and 2 more transcripts); short protein forms F216V.
Identifiers: ClinVar variation 2983308 (VCV002983308.3), dbSNP rs958217128, ClinGen allele CA23501452.